The following is an entry in ClinVar:

NM_001212.4(C1QBP):c.608TCT[1] (p.Phe204del)

Gene: C1QBP (complement C1q binding protein; minus strand). Cytogenetic location: 17p13.2.
Variant type: Microsatellite.
Coding change: c.608TCT[1] on transcript NM_001212.4 (MANE Select); one copy of the 3-base unit TCT starting at c.608; the reference has two copies in a row; one copy, 3 bases deleted.
Protein change: p.Phe204del; deletes phenylalanine 204.
Genome position (GRCh38, 1-based): chr17:5,433,379-5,433,381, AGA deleted on the plus strand (TCT on the coding strand, the reverse complement: C1QBP is on the minus strand); deleting any 3 consecutive bases within chr17:5,433,379-5,433,384 gives the same sequence; the position shown is the placement nearest the transcript's 3' end. VCF-style (leftmost placement, unchanged base first): chr17-5433378-GAGA-G. GRCh37 (hg19) VCF-style: chr17-5336698-GAGA-G.
Other names: short protein forms F204del.
Identifiers: ClinVar variation 3715982 (VCV003715982.2).

ClinVar aggregate classification (germline): Pathogenic (1 of 4 stars; one submission).

Submission:

Labcorp Genetics (formerly Invitae), Labcorp
Classification: Pathogenic. Last evaluated: 2024-04-08. Review status: criteria provided, single submitter. Criteria: Invitae Variant Classification Sherloc (09022015). Collection method: clinical testing. Allele origin: germline.
Comment: This variant, c.611_613del, results in the deletion of 1 amino acid(s) of the C1QBP protein (p.Phe204del), but otherwise preserves the integrity of the reading frame. This variant is present in population databases (no rsID available, gnomAD 0.0009%). This variant has been observed in individual(s) with clinical features of C1QBP-related conditions (PMID: 34419324). Experimental studies and prediction algorithms are not available or were not evaluated, and the functional significance of this variant is currently unknown. This variant disrupts a region of the C1QBP protein in which other variant(s) (p.Phe204Leu) have been determined to be pathogenic (PMID: 28942965, 32652806, 34003581). This suggests that this is a clinically significant region of the protein, and that variants that disrupt it are likely to be disease-causing. For these reasons, this variant has been classified as Pathogenic.

Literature cited by the submitters: PubMed 34419324; PubMed 28942965; PubMed 32652806; PubMed 34003581.